The following is an entry in ClinVar:

ClinVar aggregate classification (germline): Conflicting classifications of pathogenicity. Review status: criteria provided, conflicting classifications (1 of 4 stars). 3 submissions from 3 submitters: Uncertain significance (1); Likely benign (1). 1 of the submissions does not count toward it. Last evaluated 2025-07-06.

Conditions:
CREBBP-related disorder. Also called: CREBBP-related disorders; CREBBP-related condition.
Rubinstein-Taybi syndrome (RSTS). Identifiers: Orphanet 783, MedGen C0035934, MONDO:0019188.

Allele frequency attached by ClinVar (database versions not stated): gnomAD 0.00001; TOPMed 0.00001; ExAC 0.00002; gnomAD exomes 0.00006.

Submissions (3):

Labcorp Genetics (formerly Invitae), Labcorp
Classification: Likely benign for Rubinstein-Taybi syndrome. Last evaluated: 2025-07-06. Review status: criteria provided, single submitter. Criteria: Invitae Variant Classification Sherloc (09022015). Collection method: clinical testing. Allele origin: germline.

Revvity Omics, Revvity
Classification: Uncertain significance. Last evaluated: 2020-03-23. Review status: criteria provided, single submitter. Criteria: ACMG Guidelines, 2015. Collection method: clinical testing. Allele origin: germline.

PreventionGenetics, part of Exact Sciences
Classification: Uncertain significance for CREBBP-related condition. Last evaluated: 2024-06-26. Review status: no assertion criteria provided. Collection method: clinical testing. Allele origin: germline. Not counted in ClinVar's aggregate classification.
Comment: The CREBBP c.787G>A variant is predicted to result in the amino acid substitution p.Gly263Ser. To our knowledge, this variant has not been reported in the literature. This variant is reported in 0.00271% of alleles in individuals of European (Non-Finnish) descent in gnomAD. At this time, its clinical significance is uncertain due to the absence of conclusive functional and genetic evidence.

NM_004380.3(CREBBP):c.787G>A (p.Gly263Ser)

Gene: CREBBP (CREB binding lysine acetyltransferase; minus strand). Cytogenetic location: 16p13.3.
Variant type: single nucleotide variant.
Coding change: c.787G>A on transcript NM_004380.3 (MANE Select); coding-DNA position 787, G replaced by A.
Protein change: p.Gly263Ser; replaces glycine 263 with serine.
Molecular consequence: missense variant.
Genome position (GRCh38, 1-based): chr16:3,850,308, C>T on the plus strand (G>A on the coding strand, the complement: CREBBP is on the minus strand). VCF-style: chr16-3850308-C-T. GRCh37 (hg19) VCF-style: chr16-3900309-C-T.
Other names: c.787G>A, p.Gly263Ser (NM_001079846.1); c.787G>A (NM_004380.2); short protein forms G263S.
Identifiers: ClinVar variation 2440543 (VCV002440543.5), dbSNP rs768097716, ClinGen allele CA7870607.
Genomic context (GRCh38, chr16:3,850,308, plus strand): 5'-AAAGCCCGCGGTTAGGTAGGAAGTATTGAAAGTGCTTCAGTTCACTTACCTTGGCCATGC[C>T]TCCTGCCTGTGCGGTGTTCAGTCCCGCGTGACCAGTCATTTGCGGGGAAACCTGCGTTAG-3'
Protein context (NP_004371.2, residues 253-273): HAGLNTAQAG[Gly263Ser]MAKMGITGNT